The following is an entry in ClinVar:

ClinVar aggregate classification (germline): Uncertain significance (1 of 4 stars; one submission).

Submission:

Labcorp Genetics (formerly Invitae), Labcorp
Classification: Uncertain significance. Last evaluated: 2019-09-15. Review status: criteria provided, single submitter. Criteria: Invitae Variant Classification Sherloc (09022015). Collection method: clinical testing. Allele origin: germline.
Comment: This sequence change replaces alanine with threonine at codon 299 of the SLC25A12 protein (p.Ala299Thr). The alanine residue is moderately conserved and there is a small physicochemical difference between alanine and threonine. In summary, the available evidence is currently insufficient to determine the role of this variant in disease. Therefore, it has been classified as a Variant of Uncertain Significance. Algorithms developed to predict the effect of missense changes on protein structure and function (SIFT, PolyPhen-2, Align-GVGD) all suggest that this variant is likely to be tolerated, but these predictions have not been confirmed by published functional studies and their clinical significance is uncertain. This variant has not been reported in the literature in individuals with SLC25A12-related conditions. This variant is not present in population databases (ExAC no frequency).

NM_003705.5(SLC25A12):c.895G>A (p.Ala299Thr)

Gene: SLC25A12 (solute carrier family 25 member 12; minus strand). Cytogenetic location: 2q31.1.
Variant type: single nucleotide variant.
Coding change: c.895G>A on transcript NM_003705.5 (MANE Select); coding-DNA position 895, G replaced by A.
Protein change: p.Ala299Thr; replaces alanine 299 with threonine.
Molecular consequence: missense variant. On other transcripts: non-coding transcript variant (1).
Genome position (GRCh38, 1-based): chr2:171,826,833, C>T on the plus strand (G>A on the coding strand, the complement: SLC25A12 is on the minus strand). VCF-style: chr2-171826833-C-T. GRCh37 (hg19) VCF-style: chr2-172683343-C-T.
Other names: short protein forms A299T.
Identifiers: ClinVar variation 934140 (VCV000934140.9), dbSNP rs1684310325, ClinGen allele CA349290684.